The following is an entry in ClinVar:

NM_000179.3(MSH6):c.3625C>G (p.Leu1209Val)

Gene: MSH6 (mutS homolog 6; plus strand). Cytogenetic location: 2p16.3.
Variant type: single nucleotide variant.
Coding change: c.3625C>G on transcript NM_000179.3 (MANE Select); coding-DNA position 3625, C replaced by G.
Protein change: p.Leu1209Val; replaces leucine 1209 with valine.
Molecular consequence: missense variant.
Genome position (GRCh38, 1-based): chr2:47,805,686, C>G. VCF-style: chr2-47805686-C-G. GRCh37 (hg19) VCF-style: chr2-48032825-C-G.
Other names: c.3235C>G, p.Leu1079Val (NM_001281492.2); c.2719C>G, p.Leu907Val (NM_001281493.2, NM_001281494.2); short protein forms L1209V, L907V, L1079V.
Identifiers: ClinVar variation 583061 (VCV000583061.11), dbSNP rs753675331, ClinGen allele CA346760595.

ClinVar aggregate classification (germline): Uncertain significance. Review status: criteria provided, multiple submitters, no conflicts (2 of 4 stars). 2 submissions from 2 submitters: Uncertain significance (2). Last evaluated 2022-06-30.

Conditions:
Hereditary nonpolyposis colorectal neoplasms. Identifiers: MedGen C0009405, MeSH D003123.
Hereditary cancer-predisposing syndrome. Also called: Neoplastic Syndromes, Hereditary; Hereditary Cancer Syndrome; Tumor predisposition; Hereditary neoplastic syndrome. Identifiers: Orphanet 140162, MedGen C0027672, MeSH D009386, MONDO:0015356.

gnomAD v4.1: 3 of 1,611,386 alleles (0.00019%); highest among the groups gnomAD compares: East Asian, 0.0022%; no homozygotes.

Submissions (2):

Ambry Genetics
Classification: Uncertain significance for Hereditary cancer-predisposing syndrome. Last evaluated: 2022-06-30. Review status: criteria provided, single submitter. Criteria: Ambry Variant Classification Scheme 2023. Collection method: clinical testing. Allele origin: germline.
Comment: The p.L1209V variant (also known as c.3625C>G), located in coding exon 7 of the MSH6 gene, results from a C to G substitution at nucleotide position 3625. The leucine at codon 1209 is replaced by valine, an amino acid with highly similar properties. This variant was identified in a cohort of 882 Chinese individuals with a personal and/or family history of breast or ovarian cancers who underwent multi-gene panel testing for HBOC risk assessment (Shao D et al. Cancer Sci, 2020 Feb;111:647-657). This amino acid position is highly conserved in available vertebrate species. In addition, this alteration is predicted to be deleterious by in silico analysis. Since supporting evidence is limited at this time, the clinical significance of this alteration remains unclear.

Labcorp Genetics (formerly Invitae), Labcorp
Classification: Uncertain significance for Hereditary nonpolyposis colorectal neoplasms. Last evaluated: 2022-03-08. Review status: criteria provided, single submitter. Criteria: Invitae Variant Classification Sherloc (09022015). Collection method: clinical testing. Allele origin: germline.
Comment: This sequence change replaces leucine, which is neutral and non-polar, with valine, which is neutral and non-polar, at codon 1209 of the MSH6 protein (p.Leu1209Val). In summary, the available evidence is currently insufficient to determine the role of this variant in disease. Therefore, it has been classified as a Variant of Uncertain Significance. This variant is not present in population databases (gnomAD no frequency). This variant has not been reported in the literature in individuals affected with MSH6-related conditions. ClinVar contains an entry for this variant (Variation ID: 583061). Advanced modeling of protein sequence and biophysical properties (such as structural, functional, and spatial information, amino acid conservation, physicochemical variation, residue mobility, and thermodynamic stability) performed at Invitae indicates that this missense variant is expected to disrupt MSH6 protein function.

Literature cited by the submitters: PubMed 31742824 (cited by Ambry Genetics).